The following is an entry in ClinVar:

NM_000138.5(FBN1):c.3691C>T (p.Pro1231Ser)

Gene: FBN1 (fibrillin 1; minus strand). Cytogenetic location: 15q21.1.
Variant type: single nucleotide variant.
Coding change: c.3691C>T on transcript NM_000138.5 (MANE Select); coding-DNA position 3691, C replaced by T.
Protein change: p.Pro1231Ser; replaces proline 1231 with serine.
Molecular consequence: missense variant.
Genome position (GRCh38, 1-based): chr15:48,485,395, G>A on the plus strand (C>T on the coding strand, the complement: FBN1 is on the minus strand). VCF-style: chr15-48485395-G-A. GRCh37 (hg19) VCF-style: chr15-48777592-G-A.
Other names: c.3691C>T, p.Pro1231Ser (NM_001406716.1); short protein forms P1231S.
Identifiers: ClinVar variation 2502565 (VCV002502565.2), dbSNP rs2505544746, ClinGen allele CA392324339.

ClinVar aggregate classification (germline): Uncertain significance (1 of 4 stars; one submission).

Allele frequency attached by ClinVar (database versions not stated): gnomAD exomes below 0.00001.
gnomAD v4.1: 2 of 1,614,160 alleles (0.00012%); highest among the groups gnomAD compares: Middle Eastern, 0.016%; no homozygotes.

Submission:

GeneDx
Classification: Uncertain significance. Last evaluated: 2024-12-15. Review status: criteria provided, single submitter. Criteria: GeneDx Variant Classification Process June 2021. Collection method: clinical testing. Allele origin: germline.
Comment: Not observed at significant frequency in large population cohorts (gnomAD); In silico analysis supports that this missense variant has a deleterious effect on protein structure/function; Does not affect a cysteine or calcium-binding residue within an EGF-like domain or a TGF-binding protein domain of the FBN1 gene; cysteine substitutions in the EGF-like domains represent the majority of pathogenic missense changes associated with FBN1-related disorders (PMID: 12938084); Has not been previously published as pathogenic or benign to our knowledge; This variant is associated with the following publications: (PMID: 12938084)